The following is an entry in ClinVar:

ClinVar aggregate classification (germline): Benign/Likely benign. Review status: criteria provided, multiple submitters, no conflicts (2 of 4 stars). 2 submissions from 2 submitters: Benign (1); Likely benign (1). Last evaluated 2025-09-11.

gnomAD v4.1: 1,426 of 1,609,358 alleles (0.089%); highest among the groups gnomAD compares: African/African-American, 1.7%; 15 homozygotes.

Submissions (2):

Mayo Clinic Laboratories, Mayo Clinic
Classification: Benign. Last evaluated: 2025-09-11. Review status: criteria provided, single submitter. Criteria: ACMG Guidelines, 2015. Collection method: clinical testing. Allele origin: germline. Observed: 4 variant alleles.
Comment: BS1, BS2, BP4, BP7

Blueprint Genetics
Classification: Likely benign. Last evaluated: 2024-10-22. Review status: criteria provided, single submitter. Criteria: ACMG Guidelines, 2015. Collection method: clinical testing. Allele origin: germline.

NM_005720.4(ARPC1B):c.-4C>T

Gene: ARPC1B (actin related protein 2/3 complex subunit 1B; plus strand). Cytogenetic location: 7q22.1.
Variant type: single nucleotide variant.
Coding change: c.-4C>T on transcript NM_005720.4 (MANE Select); 4 bases upstream of the start codon, C replaced by T.
Molecular consequence: 5 prime UTR variant.
Genome position (GRCh38, 1-based): chr7:99,385,711, C>T. VCF-style: chr7-99385711-C-T. GRCh37 (hg19) VCF-style: chr7-98983334-C-T.
Identifiers: ClinVar variation 4683298 (VCV004683298.2).